The following is an entry in ClinVar:

NM_007194.4(CHEK2):c.975G>A (p.Lys325=)

Gene: CHEK2 (checkpoint kinase 2; minus strand). Cytogenetic location: 22q12.1.
Variant type: single nucleotide variant.
Coding change: c.975G>A on transcript NM_007194.4 (MANE Select); coding-DNA position 975, G replaced by A.
Protein change: p.Lys325=; no amino-acid change (lysine 325 retained).
Molecular consequence: synonymous variant.
Genome position (GRCh38, 1-based): chr22:28,699,871, C>T on the plus strand (G>A on the coding strand, the complement: CHEK2 is on the minus strand). VCF-style: chr22-28699871-C-T. GRCh37 (hg19) VCF-style: chr22-29095859-C-T.
Other names: c.1104G>A, p.Lys368= (NM_001005735.3); c.312G>A, p.Lys104= (NM_001257387.3); c.774G>A, p.Lys258= (NM_001349956.3); c.975G>A, p.Lys325= (NM_145862.3).
Identifiers: ClinVar variation 1087021 (VCV001087021.11), dbSNP rs2145842576, ClinGen allele CA513945024.

ClinVar aggregate classification (germline): Benign/Likely benign. Review status: criteria provided, multiple submitters, no conflicts (2 of 4 stars). 2 submissions from 2 submitters: Benign (1); Likely benign (1). Last evaluated 2025-08-18.

Conditions:
Familial cancer of breast. Also called: hereditary breast carcinoma; BREAST CANCER, FAMILIAL; Hereditary breast cancer. Identifiers: Orphanet 227535, MedGen C0346153, MONDO:0016419, OMIM 114480. Disease mechanism: loss of function.

Submissions (2):

Labcorp Genetics (formerly Invitae), Labcorp
Classification: Likely benign for Familial cancer of breast. Last evaluated: 2025-08-18. Review status: criteria provided, single submitter. Criteria: Invitae Variant Classification Sherloc (09022015). Collection method: clinical testing. Allele origin: germline.

Myriad Genetics, Inc.
Classification: Benign for Familial cancer of breast. Last evaluated: 2024-10-04. Review status: criteria provided, single submitter. Criteria: Myriad Autosomal Dominant, Autosomal Recessive and X-Linked Classification Criteria (2023). Collection method: clinical testing. Allele origin: unknown.
Comment: This variant is considered benign. This variant is a silent/synonymous amino acid change and it is not expected to impact splicing.